The following is an entry in ClinVar:

NM_006269.2(RP1):c.1265dup (p.Ala423fs)

Gene: RP1 (RP1 axonemal microtubule associated; plus strand). Cytogenetic location: 8q12.1.
Variant type: Duplication.
Coding change: c.1265dup on transcript NM_006269.2 (MANE Select); coding-DNA position 1265, one base duplicated (C; older notation c.1265dupC).
Protein change: p.Ala423fs; shifts the reading frame from alanine 423.
Molecular consequence: frameshift variant. On other transcripts: intron variant (1).
Genome position (GRCh38, 1-based): chr8:54,625,147, C duplicated. VCF-style (leftmost placement, unchanged base first): chr8-54625146-T-TC. GRCh37 (hg19) VCF-style: chr8-55537706-T-TC.
Other names: c.787+2859dup (NM_001375654.1); short protein forms A423fs.
Identifiers: ClinVar variation 802405 (VCV000802405.6), dbSNP rs770659908, ClinGen allele CA4751342.

ClinVar aggregate classification (germline): Pathogenic. Review status: criteria provided, multiple submitters, no conflicts (2 of 4 stars). 2 submissions from 2 submitters: Pathogenic (2). Last evaluated 2022-03-09.

Conditions:
Retinitis pigmentosa (RP). Identifiers: Orphanet 791, MedGen C0035334, MeSH D012174, MONDO:0019200, OMIM 268000. Inheritance: Autosomal dominant, autosomal recessive and X linked inheritance.

Allele frequency attached by ClinVar (database versions not stated): gnomAD exomes below 0.00001 and 0.00001; ExAC 0.00002.

Submissions (2):

Labcorp Genetics (formerly Invitae), Labcorp
Classification: Pathogenic. Last evaluated: 2022-03-09. Review status: criteria provided, single submitter. Criteria: Invitae Variant Classification Sherloc (09022015). Collection method: clinical testing. Allele origin: germline.
Comment: For these reasons, this variant has been classified as Pathogenic. This variant disrupts the C-terminus of the RP1 protein. Many variants that disrupt this region have been reported in individuals with either autosomal dominant or autosomal recessive retinitis pigmentosa (PMID: 11527933, 19933189, 29425069, 30027431). Therefore, variants that disrupt this region are expected to be disease-causing. This premature translational stop signal has been observed in individual(s) with autosomal recessive retinitis pigmentosa (PMID: 32005865). In at least one individual the data is consistent with being in trans (on the opposite chromosome) from a pathogenic variant. This variant is also known as c.1265dupC. ClinVar contains an entry for this variant (Variation ID: 802405). This sequence change creates a premature translational stop signal (p.Ala423Cysfs*2) in the RP1 gene. While this is not anticipated to result in nonsense mediated decay, it is expected to disrupt the last 1734 amino acid(s) of the RP1 protein. This variant is present in population databases (rs770659908, gnomAD 0.002%).

Mendelics
Classification: Pathogenic for Retinitis pigmentosa. Last evaluated: 2019-05-28. Review status: criteria provided, single submitter. Criteria: Mendelics Assertion Criteria 2017. Collection method: clinical testing. Allele origin: unknown.

Literature cited by the submitters: PubMed 11527933 (cited by Labcorp Genetics (formerly Invitae), Labcorp); PubMed 19933189 (cited by Labcorp Genetics (formerly Invitae), Labcorp); PubMed 29425069 (cited by Labcorp Genetics (formerly Invitae), Labcorp); PubMed 30027431 (cited by Labcorp Genetics (formerly Invitae), Labcorp); PubMed 32005865 (cited by Labcorp Genetics (formerly Invitae), Labcorp).